The following is an entry in ClinVar:

ClinVar aggregate classification (germline): Uncertain significance (1 of 4 stars; one submission).

Conditions:
Charcot-Marie-Tooth disease axonal type 2O. Also called: CHARCOT-MARIE-TOOTH NEUROPATHY, AXONAL, TYPE 2O; CHARCOT-MARIE-TOOTH DISEASE, AXONAL, AUTOSOMAL DOMINANT, TYPE 2O; Charcot-Marie-Tooth Neuropathy Type 2O; Charcot-Marie-Tooth disease, axonal, type 20. Identifiers: Orphanet 284232, MedGen C3280220, MONDO:0013644, OMIM 614228.

gnomAD v4.1: 2 of 1,614,226 alleles (0.00012%); highest among the groups gnomAD compares: South Asian, 0.0011%; no homozygotes.

Submission:

Labcorp Genetics (formerly Invitae), Labcorp
Classification: Uncertain significance for Charcot-Marie-Tooth disease axonal type 2O. Last evaluated: 2024-06-15. Review status: criteria provided, single submitter. Criteria: Invitae Variant Classification Sherloc (09022015). Collection method: clinical testing. Allele origin: germline.
Comment: This sequence change replaces asparagine, which is neutral and polar, with isoleucine, which is neutral and non-polar, at codon 3185 of the DYNC1H1 protein (p.Asn3185Ile). This variant is not present in population databases (gnomAD no frequency). This variant has not been reported in the literature in individuals affected with DYNC1H1-related conditions. Advanced modeling of protein sequence and biophysical properties (such as structural, functional, and spatial information, amino acid conservation, physicochemical variation, residue mobility, and thermodynamic stability) performed at Invitae indicates that this missense variant is not expected to disrupt DYNC1H1 protein function with a negative predictive value of 95%. In summary, the available evidence is currently insufficient to determine the role of this variant in disease. Therefore, it has been classified as a Variant of Uncertain Significance.

NM_001376.5(DYNC1H1):c.9554A>T (p.Asn3185Ile)

Gene: DYNC1H1 (dynein cytoplasmic 1 heavy chain 1; plus strand). Cytogenetic location: 14q32.31.
Variant type: single nucleotide variant.
Coding change: c.9554A>T on transcript NM_001376.5 (MANE Select); coding-DNA position 9554, A replaced by T.
Protein change: p.Asn3185Ile; replaces asparagine 3185 with isoleucine.
Molecular consequence: missense variant.
Genome position (GRCh38, 1-based): chr14:102,029,624, A>T. VCF-style: chr14-102029624-A-T. GRCh37 (hg19) VCF-style: chr14-102495961-A-T.
Other names: short protein forms N3185I.
Identifiers: ClinVar variation 2725799 (VCV002725799.3), dbSNP rs1311056505, ClinGen allele CA391015769.